The following is an entry in ClinVar:

NM_144999.4(LRRC45):c.153C>T (p.Gly51=)

Gene: LRRC45 (leucine rich repeat containing 45; plus strand). Cytogenetic location: 17q25.3.
Variant type: single nucleotide variant.
Coding change: c.153C>T on transcript NM_144999.4 (MANE Select); coding-DNA position 153, C replaced by T.
Protein change: p.Gly51=; no amino-acid change (glycine 51 retained).
Molecular consequence: synonymous variant.
Genome position (GRCh38, 1-based): chr17:82,023,796, C>T. VCF-style: chr17-82023796-C-T. GRCh37 (hg19) VCF-style: chr17-79981672-C-T.
Identifiers: ClinVar variation 4994069 (VCV004994069.1).
Genomic context (GRCh38, chr17:82,023,796, plus strand): 5'-CAGGGGCCGGCTGGACCTGGCCACGCAAAGCCTGACGGTGGAGACCTGCAGGGCCCTGGG[C>T]AAGCTGCTGCCGAGGGAGACGCTGTGCACGGAGCTGGTCCTGAGTGACTGCATGCTCAGC-3'
Protein context (NP_659436.1, residues 41-61): SLTVETCRAL[Gly51=]KLLPRETLCT

ClinVar aggregate classification (germline): Uncertain significance (1 of 4 stars; one submission).

Conditions:
LRRC45-related disorder. Also called: LRRC45-related condition.

gnomAD v4.1: 2 of 1,568,726 alleles (0.00013%); highest among the groups gnomAD compares: Admixed American, 0.0037%; no homozygotes.

Submission:

PreventionGenetics, part of Exact Sciences
Classification: Uncertain significance for LRRC45-related condition. Last evaluated: 2025-09-04. Review status: criteria provided, single submitter. Criteria: ACMG Guidelines, 2015. Collection method: clinical testing. Allele origin: germline.
Comment: The LRRC45 c.153C>T variant is not predicted to result in an amino acid change (p.=). This variant is predicted to impact splicing based on a computational splicing prediction program; however, the impact of this variant has not been functionally validated (SpliceAI, Jaganathan et al. 2019. PubMed ID: 30661751). To our knowledge, this variant has not been reported in the literature. This variant is reported in 0.0037% of alleles in individuals of Latino descent in gnomAD. At this time, the clinical significance of this variant is uncertain due to the absence of conclusive functional and genetic evidence.